The following is an entry in ClinVar:

NM_007373.4(SHOC2):c.185C>G (p.Pro62Arg)

Gene: SHOC2 (SHOC2 leucine rich repeat scaffold protein; plus strand). Cytogenetic location: 10q25.2.
Variant type: single nucleotide variant.
Coding change: c.185C>G on transcript NM_007373.4 (MANE Select); coding-DNA position 185, C replaced by G.
Protein change: p.Pro62Arg; replaces proline 62 with arginine.
Molecular consequence: missense variant. On other transcripts: 5 prime UTR variant (1), non-coding transcript variant (1), intron variant (3).
Genome position (GRCh38, 1-based): chr10:110,964,543, C>G. VCF-style: chr10-110964543-C-G. GRCh37 (hg19) VCF-style: chr10-112724301-C-G.
Other names: c.185C>G, p.Pro62Arg (NM_001269039.3, NM_001324336.2, NM_001324337.2 and 4 more transcripts); c.-602C>G (NM_001441188.1); c.-380-21085C>G (NM_001441190.1); c.-249-21085C>G (NM_001441191.1); c.-242-35872C>G (NM_001441189.1); short protein forms P62R.
Identifiers: ClinVar variation 4164854 (VCV004164854.1).

ClinVar aggregate classification (germline): Uncertain significance (1 of 4 stars; one submission).

Conditions:
Cardiovascular phenotype. Identifiers: MedGen CN230736.

Submission:

Ambry Genetics
Classification: Uncertain significance for Cardiovascular phenotype. Last evaluated: 2025-08-12. Review status: criteria provided, single submitter. Criteria: Ambry Variant Classification Scheme 2023. Collection method: clinical testing. Allele origin: germline.
Comment: The p.P62R variant (also known as c.185C>G), located in coding exon 1 of the SHOC2 gene, results from a C to G substitution at nucleotide position 185. The proline at codon 62 is replaced by arginine, an amino acid with dissimilar properties. This amino acid position is conserved. In addition, the in silico prediction for this alteration is inconclusive. Based on the available evidence, the clinical significance of this variant remains unclear.